The following is an entry in ClinVar:

ClinVar aggregate classification (germline): Uncertain significance. Review status: criteria provided, multiple submitters, no conflicts (2 of 4 stars). 2 submissions from 2 submitters: Uncertain significance (2). Last evaluated 2025-08-22.

Conditions:
Hereditary cancer-predisposing syndrome. Also called: Neoplastic Syndromes, Hereditary; Tumor predisposition; Hereditary Cancer Syndrome; Hereditary neoplastic syndrome. Identifiers: Orphanet 140162, MedGen C0027672, MeSH D009386, MONDO:0015356.
Cardiovascular phenotype. Identifiers: MedGen CN230736.
Neurofibromatosis, type 1 (NF1). Also called: VON RECKLINGHAUSEN DISEASE; NEUROFIBROMATOSIS, TYPE I, SOMATIC; Peripheral type neurofibromatosis; Neurofibromatosis, type I. Identifiers: Orphanet 636, MedGen C0027831, MONDO:0018975, OMIM 162200. Disease mechanism: loss of function.

Submissions (2):

Labcorp Genetics (formerly Invitae), Labcorp
Classification: Uncertain significance for Neurofibromatosis, type 1. Last evaluated: 2025-08-22. Review status: criteria provided, single submitter. Criteria: Invitae Variant Classification Sherloc (09022015). Collection method: clinical testing. Allele origin: germline.
Comment: This sequence change replaces glutamic acid, which is acidic and polar, with glycine, which is neutral and non-polar, at codon 2448 of the NF1 protein (p.Glu2448Gly). This variant is not present in population databases (gnomAD no frequency). This variant has not been reported in the literature in individuals affected with NF1-related conditions. ClinVar contains an entry for this variant (Variation ID: 565588). Invitae Evidence Modeling of protein sequence and biophysical properties (such as structural, functional, and spatial information, amino acid conservation, physicochemical variation, residue mobility, and thermodynamic stability) indicates that this missense variant is not expected to disrupt NF1 protein function with a negative predictive value of 95%. In summary, the available evidence is currently insufficient to determine the role of this variant in disease. Therefore, it has been classified as a Variant of Uncertain Significance.

Ambry Genetics
Classification: Uncertain significance for Cardiovascular phenotype; Hereditary cancer-predisposing syndrome. Last evaluated: 2025-03-27. Review status: criteria provided, single submitter. Criteria: Ambry Variant Classification Scheme 2023. Collection method: clinical testing. Allele origin: germline.
Comment: The p.E2448G variant (also known as c.7343A>G), located in coding exon 49 of the NF1 gene, results from an A to G substitution at nucleotide position 7343. The glutamic acid at codon 2448 is replaced by glycine, an amino acid with similar properties. This amino acid position is conserved. In addition, this alteration is predicted to be tolerated by in silico analysis. Since supporting evidence is limited at this time, the clinical significance of this alteration remains unclear.

NM_001042492.3(NF1):c.7406A>G (p.Glu2469Gly)

Gene: NF1 (neurofibromin 1; plus strand). Cytogenetic location: 17q11.2.
Variant type: single nucleotide variant.
Coding change: c.7406A>G on transcript NM_001042492.3 (MANE Select); coding-DNA position 7406, A replaced by G.
Protein change: p.Glu2469Gly; replaces glutamic acid 2469 with glycine.
Molecular consequence: missense variant.
Genome position (GRCh38, 1-based): chr17:31,350,267, A>G. VCF-style: chr17-31350267-A-G. GRCh37 (hg19) VCF-style: chr17-29677285-A-G.
Other names: c.7343A>G, p.Glu2448Gly (NM_000267.4); short protein forms E2448G, E2469G.
Identifiers: ClinVar variation 565588 (VCV000565588.9), dbSNP rs1281096294, ClinGen allele CA399017120.